The following is an entry in ClinVar:

NM_000891.3(KCNJ2):c.1207C>A (p.Pro403Thr)

Gene: KCNJ2 (potassium inwardly rectifying channel subfamily J member 2; plus strand). Cytogenetic location: 17q24.3.
Variant type: single nucleotide variant.
Coding change: c.1207C>A on transcript NM_000891.3 (MANE Select); coding-DNA position 1207, C replaced by A.
Protein change: p.Pro403Thr; replaces proline 403 with threonine.
Molecular consequence: missense variant.
Genome position (GRCh38, 1-based): chr17:70,176,246, C>A. VCF-style: chr17-70176246-C-A. GRCh37 (hg19) VCF-style: chr17-68172387-C-A.
Other names: c.1207C>A (NM_000891.2); short protein forms P403T.
Identifiers: ClinVar variation 1409288 (VCV001409288.7), dbSNP rs752406680, ClinGen allele CA8738805.

ClinVar aggregate classification (germline): Uncertain significance. Review status: criteria provided, single submitter (1 of 4 stars). 2 submissions from 2 submitters: Uncertain significance (1). 1 of the submissions does not count toward it. Last evaluated 2021-08-30.

Conditions:
Andersen Tawil syndrome (LQT7). Also called: LONG QT SYNDROME 7; PERIODIC PARALYSIS, POTASSIUM-SENSITIVE CARDIODYSRHYTHMIC TYPE; Andersen Syndrome; Potassium-sensitive periodic paralysis, ventricular ectopy, and dysmorphic features; ANDERSEN CARDIODYSRHYTHMIC PERIODIC PARALYSIS. Identifiers: Orphanet 37553, MedGen C1563715, MONDO:0008222, OMIM 170390.
Short QT syndrome type 3. Identifiers: Orphanet 51083, MedGen C1865018, MONDO:0012314, OMIM 609622.
KCNJ2-related disorder. Also called: KCNJ2-related condition.

Allele frequency attached by ClinVar (database versions not stated): ExAC 0.00001; gnomAD 0.00001; gnomAD exomes 0.00001; TOPMed 0.00001.
gnomAD v4.1: 3 of 1,613,984 alleles (0.00019%); highest among the groups gnomAD compares: Non-Finnish European, 0.00025%; no homozygotes.

Submissions (2):

Labcorp Genetics (formerly Invitae), Labcorp
Classification: Uncertain significance for Short QT syndrome type 3; Andersen Tawil syndrome. Last evaluated: 2021-08-30. Review status: criteria provided, single submitter. Criteria: Invitae Variant Classification Sherloc (09022015). Collection method: clinical testing. Allele origin: germline.
Comment: This sequence change replaces proline with threonine at codon 403 of the KCNJ2 protein (p.Pro403Thr). The proline residue is moderately conserved and there is a small physicochemical difference between proline and threonine. This variant is present in population databases (rs752406680, ExAC 0.002%). This variant has not been reported in the literature in individuals affected with KCNJ2-related conditions. Algorithms developed to predict the effect of missense changes on protein structure and function (SIFT, PolyPhen-2, Align-GVGD) all suggest that this variant is likely to be tolerated. In summary, the available evidence is currently insufficient to determine the role of this variant in disease. Therefore, it has been classified as a Variant of Uncertain Significance.

PreventionGenetics, part of Exact Sciences
Classification: Uncertain significance for KCNJ2-related condition. Last evaluated: 2024-01-12. Review status: no assertion criteria provided. Collection method: clinical testing. Allele origin: germline. Not counted in ClinVar's aggregate classification.
Comment: The KCNJ2 c.1207C>A variant is predicted to result in the amino acid substitution p.Pro403Thr. To our knowledge, this variant has not been reported in the literature. This variant is reported in 0.0018% of alleles in individuals of European (Non-Finnish) descent in gnomAD. At this time, the clinical significance of this variant is uncertain due to the absence of conclusive functional and genetic evidence.